The following is an entry in ClinVar:

ClinVar aggregate classification (germline): Pathogenic (1 of 4 stars; one submission).

Conditions:
Dilated cardiomyopathy 1KK (CMD1KK). Identifiers: Orphanet 154, Orphanet 75249, MedGen C3714995, MONDO:0014100, OMIM 615248.

Submission:

Labcorp Genetics (formerly Invitae), Labcorp
Classification: Pathogenic for Dilated cardiomyopathy 1KK. Last evaluated: 2025-06-29. Review status: criteria provided, single submitter. Criteria: Invitae Variant Classification Sherloc (09022015). Collection method: clinical testing. Allele origin: germline.
Comment: This sequence change creates a premature translational stop signal (p.Ser546*) in the MYPN gene. It is expected to result in an absent or disrupted protein product. Loss-of-function variants in MYPN are known to be pathogenic (PMID: 28017374). This variant is not present in population databases (gnomAD no frequency). This variant has not been reported in the literature in individuals affected with MYPN-related conditions. For these reasons, this variant has been classified as Pathogenic.

Literature cited by the submitters: PubMed 28017374.

NM_032578.4(MYPN):c.1637C>G (p.Ser546Ter)

Gene: MYPN (myopalladin; plus strand). Cytogenetic location: 10q21.3.
Variant type: single nucleotide variant.
Coding change: c.1637C>G on transcript NM_032578.4 (MANE Select); coding-DNA position 1637, C replaced by G.
Protein change: p.Ser546Ter; replaces serine 546 with a stop codon.
Molecular consequence: nonsense. On other transcripts: non-coding transcript variant (2).
Genome position (GRCh38, 1-based): chr10:68,166,330, C>G. VCF-style: chr10-68166330-C-G. GRCh37 (hg19) VCF-style: chr10-69926087-C-G.
Other names: c.1637C>G, p.Ser546Ter (NM_001256267.2); c.755C>G, p.Ser252Ter (NM_001256268.2); short protein forms S252*, S546*.
Identifiers: ClinVar variation 4722302 (VCV004722302.1).